The following is an entry in ClinVar:

NM_001365536.1(SCN9A):c.1940A>T (p.Glu647Val)

Genes: SCN1A-AS1 (SCN1A and SCN9A antisense RNA 1; plus strand), SCN9A (sodium voltage-gated channel alpha subunit 9; minus strand). Cytogenetic location: 2q24.3.
Variant type: single nucleotide variant.
Coding change: c.1940A>T on transcript NM_001365536.1 (MANE Select); coding-DNA position 1940, A replaced by T.
Protein change: p.Glu647Val; replaces glutamic acid 647 with valine.
Molecular consequence: missense variant.
Genome position (GRCh38, 1-based): chr2:166,284,487, T>A on the plus strand (A>T on the coding strand, the complement: SCN9A is on the minus strand). VCF-style: chr2-166284487-T-A. GRCh37 (hg19) VCF-style: chr2-167140997-T-A.
Other names: c.1940A>T, p.Glu647Val (NM_002977.4); short protein forms E647V.
Identifiers: ClinVar variation 664240 (VCV000664240.7), dbSNP rs754455081, ClinGen allele CA1944395.

ClinVar aggregate classification (germline): Uncertain significance (1 of 4 stars; one submission).

Conditions:
Generalized epilepsy with febrile seizures plus, type 7 (GEFSP7). Also called: GEFS+, TYPE 7. Identifiers: Orphanet 36387, MedGen C2751778, MONDO:0013470, OMIM 613863.
Neuropathy, hereditary sensory and autonomic, type 2A (HSAN2A). Also called: WNK1-Related HSAN2 (HSAN2A); ACROOSTEOLYSIS, GIACCAI TYPE; ACROOSTEOLYSIS, NEUROGENIC; NEUROPATHY, HEREDITARY SENSORY, TYPE IIA; NEUROPATHY, PROGRESSIVE SENSORY, OF CHILDREN; HSAN IIA. Identifiers: Orphanet 970, MedGen C2752089, MONDO:0024309, OMIM 201300.

Allele frequency attached by ClinVar (database versions not stated): ExAC 0.00001; gnomAD exomes 0.00001; TOPMed 0.00002.
gnomAD v4.1: 10 of 1,613,992 alleles (0.00062%); highest among the groups gnomAD compares: African/African-American, 0.0013%; no homozygotes.

Submission:

Labcorp Genetics (formerly Invitae), Labcorp
Classification: Uncertain significance for Neuropathy, hereditary sensory and autonomic, type 2A; Generalized epilepsy with febrile seizures plus, type 7. Last evaluated: 2023-01-26. Review status: criteria provided, single submitter. Criteria: Invitae Variant Classification Sherloc (09022015). Collection method: clinical testing. Allele origin: germline.
Comment: In summary, the available evidence is currently insufficient to determine the role of this variant in disease. Therefore, it has been classified as a Variant of Uncertain Significance. Algorithms developed to predict the effect of sequence changes on RNA splicing suggest that this variant may disrupt the consensus splice site. Advanced modeling of protein sequence and biophysical properties (such as structural, functional, and spatial information, amino acid conservation, physicochemical variation, residue mobility, and thermodynamic stability) performed at Invitae indicates that this missense variant is not expected to disrupt SCN9A protein function. ClinVar contains an entry for this variant (Variation ID: 664240). This variant has not been reported in the literature in individuals affected with SCN9A-related conditions. This variant is present in population databases (rs754455081, gnomAD 0.002%). This sequence change replaces glutamic acid, which is acidic and polar, with valine, which is neutral and non-polar, at codon 647 of the SCN9A protein (p.Glu647Val).